The following is an entry in ClinVar:

ClinVar aggregate classification (germline): Pathogenic (1 of 4 stars; one submission).

Conditions:
Lynch syndrome 5 (LYNCH5). Also called: Colorectal cancer, hereditary nonpolyposis, type 5; Hereditary non-polyposis colorectal cancer, type 5. Identifiers: Orphanet 144, MedGen C1833477, MONDO:0013710, OMIM 614350. Disease mechanism: loss of function.

Submission:

Myriad Genetics, Inc.
Classification: Pathogenic for Lynch syndrome 5. Last evaluated: 2023-08-11. Review status: criteria provided, single submitter. Criteria: Myriad Autosomal Dominant, Autosomal Recessive and X-Linked Classification Criteria (2023). Collection method: clinical testing. Allele origin: unknown.
Comment: This variant is considered pathogenic. This variant creates a frameshift predicted to result in premature protein truncation.

NM_000179.3(MSH6):c.911_912insA (p.Thr305fs)

Gene: MSH6 (mutS homolog 6; plus strand). Cytogenetic location: 2p16.3.
Variant type: Insertion.
Coding change: c.911_912insA on transcript NM_000179.3 (MANE Select); coding-DNA positions 911 to 912, A inserted.
Protein change: p.Thr305fs; shifts the reading frame from threonine 305.
Molecular consequence: frameshift variant. On other transcripts: non-coding transcript variant (4), intron variant (1).
Genome position: GRCh38 VCF-style: chr2-47798894-T-TA. GRCh37 (hg19) VCF-style: chr2-48026033-T-TA.
Other names: c.521_522insA, p.Thr175fs (NM_001281492.2); c.5_6insA, p.Thr3fs (NM_001281493.2, NM_001281494.2, NM_001406811.1 and 6 more transcripts); c.1007_1008insA, p.Thr337fs (NM_001406795.1, NM_001406802.1); c.911_912insA, p.Thr305fs (NM_001406796.1, NM_001406798.1, NM_001406800.1 and 4 more transcripts); c.614_615insA, p.Thr206fs (NM_001406797.1, NM_001406801.1, NM_001406805.1 and 10 more transcripts); c.386_387insA, p.Thr130fs (NM_001406799.1, NM_001406806.1, NM_001406807.1); c.833_834insA, p.Thr279fs (NM_001406804.1); c.917_918insA, p.Thr307fs (NM_001406813.1); and 2 more; short protein forms T130fs, T175fs, T206fs, T249fs, T279fs, T305fs, T307fs, T337fs.
Identifiers: ClinVar variation 2673705 (VCV002673705.1), dbSNP rs2530577685, ClinGen allele CA2695200516.